The following is an entry in ClinVar:

ClinVar aggregate classification (germline): Uncertain significance (1 of 4 stars; one submission).

Allele frequency attached by ClinVar (database versions not stated): gnomAD 0.00001; gnomAD exomes 0.00001.
gnomAD v4.1: 4 of 1,607,424 alleles (0.00025%); highest among the groups gnomAD compares: African/African-American, 0.0027%; no homozygotes.

Submission:

Labcorp Genetics (formerly Invitae), Labcorp
Classification: Uncertain significance. Last evaluated: 2020-10-09. Review status: criteria provided, single submitter. Criteria: Invitae Variant Classification Sherloc (09022015). Collection method: clinical testing. Allele origin: germline.
Comment: In summary, the available evidence is currently insufficient to determine the role of this variant in disease. Therefore, it has been classified as a Variant of Uncertain Significance. Algorithms developed to predict the effect of missense changes on protein structure and function are either unavailable or do not agree on the potential impact of this missense change (SIFT: "Deleterious"; PolyPhen-2: "Benign"; Align-GVGD: "Class C0"). This variant has not been reported in the literature in individuals with REST-related conditions. This variant is not present in population databases (ExAC no frequency). This sequence change replaces glutamic acid with lysine at codon 650 of the REST protein (p.Glu650Lys). The glutamic acid residue is moderately conserved and there is a small physicochemical difference between glutamic acid and lysine.

NM_005612.5(REST):c.1948G>A (p.Glu650Lys)

Gene: REST (RE1 silencing transcription factor; plus strand). Cytogenetic location: 4q12.
Variant type: single nucleotide variant.
Coding change: c.1948G>A on transcript NM_005612.5 (MANE Select); coding-DNA position 1948, G replaced by A.
Protein change: p.Glu650Lys; replaces glutamic acid 650 with lysine.
Molecular consequence: missense variant.
Genome position (GRCh38, 1-based): chr4:56,930,806, G>A. VCF-style: chr4-56930806-G-A. GRCh37 (hg19) VCF-style: chr4-57796972-G-A.
Other names: c.1948G>A, p.Glu650Lys (NM_001193508.2, NM_001363453.3); short protein forms E650K.
Identifiers: ClinVar variation 1024768 (VCV001024768.8), dbSNP rs1334359309, ClinGen allele CA357007757.
Genomic context (GRCh38, chr4:56,930,806, plus strand): 5'-CCGCCACCTCCCATGGAGCATGCTCAGATGGAGGGTGCCCAGATACGGCCTGCTCCTGAC[G>A]AGCCTGTTCAGATGGAGGTGGTTCAGGAGGGGCCTGCTCAGAAGGAGCTGCTGCCTCCCG-3'
Protein context (NP_005603.3, residues 640-660): EGAQIRPAPD[Glu650Lys]PVQMEVVQEG